The following is an entry in ClinVar:

ClinVar aggregate classification (germline): Benign/Likely benign. Review status: criteria provided, multiple submitters, no conflicts (2 of 4 stars). 11 submissions from 10 submitters: Benign (7); Likely benign (1). 3 of the submissions do not count toward it. Last evaluated 2026-02-04.

Conditions:
Autoinflammation-PLCG2-associated antibody deficiency-immune dysregulation. Also called: Autoinflammation, antibody deficiency, and immune dysregulation syndrome; Autoinflammation, antibody deficiency, and immune dysregulation, plcg2-associated; AUTOINFLAMMATION, ANTIBODY DEFICIENCY, AND IMMUNE DYSREGULATION. Identifiers: Orphanet 324530, MedGen C3553961, MONDO:0013944, OMIM 614878.
Familial cold autoinflammatory syndrome 3 (FCAS3). Also called: FAMILIAL ATYPICAL COLD URTICARIA; ANTIBODY DEFICIENCY AND IMMUNE DYSREGULATION, PLCG2-ASSOCIATED. Identifiers: Orphanet 300359, MedGen C3280914, MONDO:0013766, OMIM 614468.

Allele frequency attached by ClinVar (database versions not stated): 1000 Genomes Project 30x 0.98735; ESP Exome Variant Server 0.98843; 1000 Genomes Project 0.98862; TOPMed 0.99014; gnomAD 0.99057 and 0.99106; ExAC 0.99692; gnomAD exomes 0.99744.
gnomAD v4.1: 1,607,790 of 1,610,758 alleles (100%); highest among the groups gnomAD compares: Non-Finnish European, 100%; 802,447 homozygotes.

Submissions (11):

Labcorp Genetics (formerly Invitae), Labcorp
Classification: Benign for Familial cold autoinflammatory syndrome 3. Last evaluated: 2026-02-04. Review status: criteria provided, single submitter. Criteria: Invitae Variant Classification Sherloc (09022015). Collection method: clinical testing. Allele origin: germline.

Women's Health and Genetics/Laboratory Corporation of America, LabCorp
Classification: Benign. Last evaluated: 2026-01-21. Review status: criteria provided, single submitter. Criteria: LabCorp Variant Classification Summary - May 2015. Collection method: clinical testing. Allele origin: germline.

Blueprint Genetics
Classification: Likely benign. Last evaluated: 2024-11-27. Review status: criteria provided, single submitter. Criteria: ACMG Guidelines, 2015. Collection method: clinical testing. Allele origin: germline.

Mayo Clinic Laboratories, Mayo Clinic
Classification: Benign. Last evaluated: 2024-09-13. Review status: criteria provided, single submitter. Criteria: ACMG Guidelines, 2015. Collection method: clinical testing. Allele origin: germline. Observed: 1,550 variant alleles.
Comment: BS1, BS2

Unidad de Genómica Garrahan, Hospital de Pediatría Garrahan
Classification: Benign. Last evaluated: 2023-11-02. Review status: criteria provided, single submitter. Criteria: ACMG Guidelines, 2015. Collection method: clinical testing. Allele origin: germline. Affected: no. Observed: 96 variant alleles.
Comment: This variant is classified as Benign based on local population frequency. This variant was detected in 100% of patients studied by a panel of primary immunodeficiencies. Number of patients: 96. Only high quality variants are reported.

Genome-Nilou Lab
Classification: Benign for Autoinflammation-PLCG2-associated antibody deficiency-immune dysregulation. Last evaluated: 2021-10-25. Review status: criteria provided, single submitter. Criteria: ACMG Guidelines, 2015. Collection method: clinical testing. Allele origin: germline. Affected: no.

Genome-Nilou Lab
Classification: Benign for Familial cold autoinflammatory syndrome 3. Last evaluated: 2021-10-25. Review status: criteria provided, single submitter. Criteria: ACMG Guidelines, 2015. Collection method: clinical testing. Allele origin: germline. Affected: no.

Breakthrough Genomics
Classification: Benign. Review status: criteria provided, single submitter. Criteria: ACMG Guidelines, 2015. Collection method: not provided. Allele origin: germline. Inheritance: Autosomal dominant inheritance. Affected: yes.

Diagnostic Laboratory, Department of Genetics, University Medical Center Groningen
Classification: Benign. Review status: no assertion criteria provided. Collection method: clinical testing. Allele origin: germline. Affected: yes. Study: VKGL Data-share Consensus. Not counted in ClinVar's aggregate classification.

Genome Diagnostics Laboratory, University Medical Center Utrecht
Classification: Benign. Review status: no assertion criteria provided. Collection method: clinical testing. Allele origin: germline. Affected: yes. Study: VKGL Data-share Consensus. Not counted in ClinVar's aggregate classification.

Joint Genome Diagnostic Labs from Nijmegen and Maastricht, Radboudumc and MUMC+
Classification: Benign. Review status: no assertion criteria provided. Collection method: clinical testing. Allele origin: germline. Affected: yes. Study: VKGL Data-share Consensus. Not counted in ClinVar's aggregate classification.

NM_002661.5(PLCG2):c.2055-8T>C

Gene: PLCG2 (phospholipase C gamma 2; plus strand). Cytogenetic location: 16q23.3.
Variant type: single nucleotide variant.
Coding change: c.2055-8T>C on transcript NM_002661.5 (MANE Select); 8 bases into the intron before coding-DNA position 2055, T replaced by C.
Molecular consequence: intron variant.
Genome position (GRCh38, 1-based): chr16:81,919,476, T>C. VCF-style: chr16-81919476-T-C. GRCh37 (hg19) VCF-style: chr16-81953081-T-C.
Other names: p.?.
Identifiers: ClinVar variation 1168656 (VCV001168656.24), dbSNP rs12448130, ClinGen allele CA8194075.